The following is an entry in ClinVar:

NM_007294.4(BRCA1):c.493_494del (p.Leu165fs)

Gene: BRCA1 (BRCA1 DNA repair associated; minus strand). Cytogenetic location: 17q21.31.
Variant type: Microsatellite.
Coding change: c.493_494del on transcript NM_007294.4 (MANE Select); coding-DNA positions 493 to 494, 2 bases deleted (CT; older notation c.493_494delCT).
Protein change: p.Leu165fs; shifts the reading frame from leucine 165.
Molecular consequence: frameshift variant. On other transcripts: non-coding transcript variant (1).
Genome position (GRCh38, 1-based): chr17:43,099,828-43,099,829, AG deleted on the plus strand (CT on the coding strand, the reverse complement: BRCA1 is on the minus strand); deleting any 2 consecutive bases within chr17:43,099,828-43,099,831 gives the same sequence; the c. name uses the placement nearest the transcript's 3' end. VCF-style (leftmost placement, unchanged base first): chr17-43099827-CAG-C. GRCh37 (hg19) VCF-style: chr17-41251844-CAG-C.
Other names: c.493_494delCT (NM_007294.3); c.350_351CT[1], p.Leu118Glufs (NM_001407696.1, NM_001407697.1, NM_001407698.1 and 60 more transcripts); c.347_348CT[1], p.Leu117Glufs (NM_001407740.1, NM_001407741.1, NM_001407742.1 and 35 more transcripts); c.278_279CT[1], p.Leu94Glufs (NM_001407853.1, NM_001407894.1, NM_001407895.1 and 18 more transcripts); c.491_492CT[1], p.Leu165Glufs (NM_001407854.1, NM_001407858.1, NM_001407859.1 and 95 more transcripts); c.488_489CT[1], p.Leu164Glufs (NM_001407860.1, NM_001407861.1, NM_001407940.1 and 65 more transcripts); c.413_414CT[1], p.Leu139Glufs (NM_001407862.1, NM_001408409.1, NM_001408411.1 and 12 more transcripts); c.410_411CT[1], p.Leu138Glufs (NM_001407874.1, NM_001407875.1, NM_001408413.1 and 6 more transcripts); and 7 more; short protein forms L118fs, L165fs.
Identifiers: ClinVar variation 55323 (VCV000055323.8), dbSNP rs397509206, ClinGen allele CA003085.
Genomic context (GRCh38, chr17:43,099,827, plus strand): 5'-ACCCTTACCCAATTCAATGTAGACAGACGTCTTTTGAGGTTGTATCCGCTGCTTTGTCCT[CAG>C]AGTTCTCACAGTTCCAAGGTTAGAGAGTTGGACACTGAGACTGGTTTCCTGCTAAACAGT-3'

ClinVar aggregate classification (germline): Pathogenic. Review status: reviewed by expert panel (3 of 4 stars). 6 submissions from 6 submitters: Pathogenic (1). 5 of the submissions do not count toward it. Last evaluated 2016-09-08.

Conditions:
Hereditary cancer-predisposing syndrome. Also called: Hereditary Cancer Syndrome; Hereditary neoplastic syndrome; Neoplastic Syndromes, Hereditary; Tumor predisposition. Identifiers: Orphanet 140162, MedGen C0027672, MeSH D009386, MONDO:0015356.
Breast-ovarian cancer, familial, susceptibility to, 1 (BROVCA1). Also called: BRCA1 Hereditary Breast and Ovarian Cancer; OVARIAN CANCER, SUSCEPTIBILITY TO. Identifiers: Orphanet 145, MedGen C2676676, MONDO:0011450, OMIM 604370. Disease mechanism: loss of function.
Hereditary breast ovarian cancer syndrome. Also called: BRCA1- and BRCA2-Associated Hereditary Breast and Ovarian Cancer; Hereditary breast and ovarian cancer syndrome; Hereditary breast and ovarian cancer syndrome (HBOC); Breast and ovarian cancer; Hereditary breast and/or ovarian cancer syndrome; Hereditary breast and ovarian cancer. Identifiers: Orphanet 145, MedGen C0677776, MeSH D061325, MONDO:0003582. Disease mechanism: loss of function.

Submissions (6):

Evidence-based Network for the Interpretation of Germline Mutant Alleles (ENIGMA)
Classification: Pathogenic for Breast-ovarian cancer, familial, susceptibility to, 1. Last evaluated: 2016-09-08. Review status: reviewed by expert panel. Criteria: ENIGMA BRCA1/2 Classification Criteria (2015). Collection method: curation. Allele origin: germline.
Comment: Variant allele predicted to encode a truncated non-functional protein.

Ambry Genetics
Classification: Pathogenic for Hereditary cancer-predisposing syndrome. Last evaluated: 2025-11-19. Review status: criteria provided, single submitter. Criteria: Ambry Variant Classification Scheme 2023. Collection method: clinical testing. Allele origin: germline. Not counted in ClinVar's aggregate classification.
Comment: The c.493_494delCT pathogenic mutation, located in coding exon 6 of the BRCA1 gene, results from a deletion of two nucleotides at nucleotide positions 493 to 494, causing a translational frameshift with a predicted alternate stop codon (p.L165Efs*16). This variant is considered to be rare based on population cohorts in the Genome Aggregation Database (gnomAD). This alteration is expected to result in loss of function by premature protein truncation or nonsense-mediated mRNA decay. As such, this alteration is interpreted as a disease-causing mutation.

Labcorp Genetics (formerly Invitae), Labcorp
Classification: Pathogenic for Hereditary breast ovarian cancer syndrome. Last evaluated: 2025-08-03. Review status: criteria provided, single submitter. Criteria: Invitae Variant Classification Sherloc (09022015). Collection method: clinical testing. Allele origin: germline. Not counted in ClinVar's aggregate classification.
Comment: This sequence change creates a premature translational stop signal (p.Leu165Glufs*16) in the BRCA1 gene. It is expected to result in an absent or disrupted protein product. Loss-of-function variants in BRCA1 are known to be pathogenic (PMID: 20104584). This variant is not present in population databases (gnomAD no frequency). This premature translational stop signal has been observed in individual(s) with breast and/or ovarian cancer (PMID: 16683254). For these reasons, this variant has been classified as Pathogenic.

Consortium of Investigators of Modifiers of BRCA1/2 (CIMBA), c/o University of Cambridge
Classification: Pathogenic for Breast-ovarian cancer, familial, susceptibility to, 1. Last evaluated: 2015-10-02. Review status: criteria provided, single submitter. Criteria: CIMBA Mutation Classification guidelines May 2016. Collection method: clinical testing. Allele origin: germline. Not counted in ClinVar's aggregate classification.

Clinical Genetics DNA and cytogenetics Diagnostics Lab, Erasmus MC, Erasmus Medical Center
Classification: Pathogenic. Review status: no assertion criteria provided. Collection method: clinical testing. Allele origin: germline. Affected: yes. Study: VKGL Data-share Consensus. Not counted in ClinVar's aggregate classification.

Diagnostic Laboratory, Department of Genetics, University Medical Center Groningen
Classification: Pathogenic for Breast-ovarian cancer, familial, susceptibility to, 1. Review status: no assertion criteria provided. Collection method: clinical testing. Allele origin: germline. Affected: yes. Study: VKGL Data-share Consensus. Not counted in ClinVar's aggregate classification.

Literature cited by the submitters: PubMed 20104584 (cited by Labcorp Genetics (formerly Invitae), Labcorp); PubMed 16683254 (cited by Labcorp Genetics (formerly Invitae), Labcorp).